The following is an entry in ClinVar:

NM_003839.4(TNFRSF11A):c.287A>G (p.Lys96Arg)

Gene: TNFRSF11A (TNF receptor superfamily member 11a; plus strand). Cytogenetic location: 18q21.33.
Variant type: single nucleotide variant.
Coding change: c.287A>G on transcript NM_003839.4 (MANE Select); coding-DNA position 287, A replaced by G.
Protein change: p.Lys96Arg; replaces lysine 96 with arginine.
Molecular consequence: missense variant.
Genome position (GRCh38, 1-based): chr18:62,354,394, A>G. VCF-style: chr18-62354394-A-G. GRCh37 (hg19) VCF-style: chr18-60021627-A-G.
Other names: c.287A>G, p.Lys96Arg (NM_001270949.2, NM_001270950.2, NM_001270951.2 and 1 more transcripts); short protein forms K96R.
Identifiers: ClinVar variation 2179392 (VCV002179392.4), dbSNP rs748789814, ClinGen allele CA8983697.

ClinVar aggregate classification (germline): Uncertain significance (1 of 4 stars; one submission).

Allele frequency attached by ClinVar (database versions not stated): TOPMed 0.00001; ExAC 0.00003; gnomAD 0.00003; gnomAD exomes 0.00004.
gnomAD v4.1: 62 of 1,579,314 alleles (0.0039%); highest among the groups gnomAD compares: Non-Finnish European, 0.0052%; no homozygotes.

Submission:

Labcorp Genetics (formerly Invitae), Labcorp
Classification: Uncertain significance. Last evaluated: 2025-03-25. Review status: criteria provided, single submitter. Criteria: Invitae Variant Classification Sherloc (09022015). Collection method: clinical testing. Allele origin: germline.
Comment: This sequence change replaces lysine, which is basic and polar, with arginine, which is basic and polar, at codon 96 of the TNFRSF11A protein (p.Lys96Arg). This variant is present in population databases (rs748789814, gnomAD 0.004%). This variant has not been reported in the literature in individuals affected with TNFRSF11A-related conditions. ClinVar contains an entry for this variant (Variation ID: 2179392). Invitae Evidence Modeling of protein sequence and biophysical properties (such as structural, functional, and spatial information, amino acid conservation, physicochemical variation, residue mobility, and thermodynamic stability) indicates that this missense variant is not expected to disrupt TNFRSF11A protein function with a negative predictive value of 80%. In summary, the available evidence is currently insufficient to determine the role of this variant in disease. Therefore, it has been classified as a Variant of Uncertain Significance.